The following is an entry in ClinVar:

NM_001134363.3(RBM20):c.419del (p.Pro140fs)

Gene: RBM20 (RNA binding motif protein 20; plus strand). Cytogenetic location: 10q25.2.
Variant type: Deletion.
Coding change: c.419del on transcript NM_001134363.3 (MANE Select); coding-DNA position 419, one base deleted (C; older notation c.419delC).
Protein change: p.Pro140fs; shifts the reading frame from proline 140.
Molecular consequence: frameshift variant.
Genome position (GRCh38, 1-based): chr10:110,781,028, C deleted; the last of 2 consecutive C bases (chr10:110,781,027-110,781,028); deleting either gives the same sequence. VCF-style (leftmost placement, unchanged base first): chr10-110781026-TC-T. GRCh37 (hg19) VCF-style: chr10-112540784-TC-T.
Other names: short protein forms P140fs.
Identifiers: ClinVar variation 3254887 (VCV003254887.2), dbSNP rs2493409912.
Genomic context (GRCh38, chr10:110,781,026, plus strand): 5'-CCTGAACCAAGTCCTCTCCAAAGTGGCCATGTCCCAGCCTCTCTTCAATCAACTGAGGCA[TC>T]CGTCTGTGATCACTGGCCCCCACGGCCATGCTGGGGTTCCCCAACATGCTGCAGCCATAC-3'

ClinVar aggregate classification (germline): Likely pathogenic. Review status: criteria provided, multiple submitters, no conflicts (2 of 4 stars). 2 submissions from 2 submitters: Likely pathogenic (2). Last evaluated 2023-07-25.

Conditions:
Dilated cardiomyopathy 1DD (CMD1DD). Identifiers: Orphanet 154, MedGen C2750995, MONDO:0013168, OMIM 613172.
RBM20-related disorder. Also called: RBM20-related condition.

Submissions (2):

Blueprint Genetics
Classification: Likely pathogenic for RBM20-related disorders. Last evaluated: 2023-07-25. Review status: criteria provided, single submitter. Criteria: ACMG Guidelines, 2015. Collection method: clinical testing. Allele origin: germline. Affected: yes. Observed: 1 variant allele.

Victorian Clinical Genetics Services, Murdoch Childrens Research Institute
Classification: Likely pathogenic for Dilated cardiomyopathy 1DD. Last evaluated: 2023-07-16. Review status: criteria provided, single submitter. Criteria: ACMG Guidelines, 2015. Collection method: clinical testing. Allele origin: germline. Inheritance: Autosomal dominant inheritance. Affected: yes.
Comment: Based on the classification scheme VCGS_Germline_v1.3.4, this variant is classified as Likely Pathogenic. Following criteria are met: 0102 - Loss of function is a known mechanism of disease in this gene and is associated with dilated cardiomyopathy, 1DD (MIM#613172). While some publications suggest a dominant negative mechanism for variants in the hotspot affecting residues between 630 and 640 (PMID: 32187365, PMID: 29895960), this has been recently disproven, with growing evidence supporting loss of function (PMID: 34201072, PMID: 32840935). (I) 0107 - This gene is associated with autosomal dominant disease. (I) 0112 - The condition associated with this gene has incomplete penetrance, but with sex bias and age dependancy (PMID: 30871348). (I) 0201 - Variant is predicted to cause nonsense-mediated decay (NMD) and loss of protein (premature termination codon is located at least 54 nucleotides upstream of the final exon-exon junction). (SP) 0251 - This variant is heterozygous. (I) 0301 - Variant is absent from gnomAD (both v2 and v3). (SP) 0701 - Other NMD-predicted variants comparable to the one identified in this case have very strong previous evidence for pathogenicity. These variants have been reported as VUS, but more recently as likely pathogenic and pathogenic, and have been consistently reported in individuals with dilated cardiomyopathy (DCM). In some of these individuals, the variant segregated with disease (ClinVar, PMID: 35284542, PMID: 32789749). One individual was homozygous, with uniparental inheritance from an unaffected parent described (PMID: 29895960). Another individual had severe DCM, and an additional NMD-predicted variant in the TTN gene (PMID: 34201072). (SP) 0809 - Previous evidence of pathogenicity for this variant is inconclusive. This variant has been reported as a VUS, and observed in a patient with DCM (LOVD, PMID: 34194005, PMID: 32880476). (I) 0905 - No published segregation evidence has been identified for this variant. (I) 1007 - No published functional evidence has been identified for this variant. (I) Legend: (SP) - Supporting pathogenic, (I) - Information, (SB) - Supporting benign

Literature cited by the submitters: PubMed 29895960 (cited by Victorian Clinical Genetics Services, Murdoch Childrens Research Institute); PubMed 30871348 (cited by Victorian Clinical Genetics Services, Murdoch Childrens Research Institute); PubMed 32187365 (cited by Victorian Clinical Genetics Services, Murdoch Childrens Research Institute); PubMed 32789749 (cited by Victorian Clinical Genetics Services, Murdoch Childrens Research Institute); PubMed 32840935 (cited by Victorian Clinical Genetics Services, Murdoch Childrens Research Institute); PubMed 32880476 (cited by Victorian Clinical Genetics Services, Murdoch Childrens Research Institute); PubMed 34194005 (cited by Victorian Clinical Genetics Services, Murdoch Childrens Research Institute); PubMed 34201072 (cited by Victorian Clinical Genetics Services, Murdoch Childrens Research Institute); PubMed 35284542 (cited by Victorian Clinical Genetics Services, Murdoch Childrens Research Institute).